The following is an entry in ClinVar:

NM_004972.4(JAK2):c.3311A>C (p.Glu1104Ala)

Genes: INSL6 (insulin like 6; minus strand), JAK2 (Janus kinase 2; plus strand). Cytogenetic location: 9p24.1.
Variant type: single nucleotide variant.
Coding change: c.3311A>C on transcript NM_004972.4 (MANE Select); coding-DNA position 3311, A replaced by C.
Protein change: p.Glu1104Ala; replaces glutamic acid 1104 with alanine.
Molecular consequence: missense variant. On other transcripts: non-coding transcript variant (2).
Genome position (GRCh38, 1-based): chr9:5,126,703, A>C. VCF-style: chr9-5126703-A-C. GRCh37 (hg19) VCF-style: chr9-5126703-A-C.
Other names: c.3311A>C, p.Glu1104Ala (NM_001322194.2, NM_001322195.2, NM_001322196.2); c.2096A>C, p.Glu699Ala (NM_001322198.2, NM_001322199.2); c.2864A>C, p.Glu955Ala (NM_001322204.2); short protein forms E699A, E955A, E1104A.
Identifiers: ClinVar variation 2585044 (VCV002585044.1), dbSNP rs2489276099, ClinGen allele CA372830543.

ClinVar aggregate classification (germline): Uncertain significance (1 of 4 stars; one submission).

Conditions:
Thrombocythemia 3 (THCYT3). Also called: THROMBOCYTOSIS 3; THROMBOCYTHEMIA 3, SOMATIC. Identifiers: MedGen C3281125, MONDO:0013794, OMIM 614521.

Submission:

Neuberg Centre For Genomic Medicine, NCGM
Classification: Uncertain significance for Thrombocythemia 3. Review status: criteria provided, single submitter. Criteria: ACMG Guidelines, 2015. Collection method: clinical testing. Allele origin: germline. Inheritance: Autosomal dominant inheritance. Affected: yes.
Comment: The missense variant c.3311A>C (p.Glu1104Ala) in JAK2 gene has not been reported previously as a pathogenic variant nor as a benign variant, to our knowledge. The p.Glu1104Ala variant is novel (not in any individuals) in gnomAD exomes and 1000 Genomes. This variant has not been reported to the ClinVar database. The amino acid Glu at position 1104 is changed to a Ala changing protein sequence and it might alter its composition and physico-chemical properties. The amino acid change p.Glu1104Ala in JAK2 is predicted as conserved by GERP++ and PhyloP across 100 vertebrates. For these reasons, this variant has been classified as Uncertain Significance (VUS)